The following is an entry in ClinVar:

ClinVar aggregate classification (germline): Uncertain significance (1 of 4 stars; one submission).

Conditions:
Dilated cardiomyopathy 1G (CMD1G). Identifiers: Orphanet 154, MedGen C1858763, MONDO:0011400, OMIM 604145.

Submission:

Diagnostics Services (NGS), CSIR - Centre For Cellular And Molecular Biology
Classification: Uncertain significance for Dilated cardiomyopathy 1G. Last evaluated: 2022-07-28. Review status: criteria provided, single submitter. Criteria: ACMG Guidelines, 2015. Collection method: clinical testing. Allele origin: unknown. Affected: yes. Observed: 1 variant allele, 1 heterozygote.
Comment: The c.94489G>C variant is not present in publicly available population databases like 1000 Genomes, Exome Variant Server (EVS), Exome Aggregation Consortium (ExAC), Genome Aggregation Database (gnomAD) and Indian Exome Database. The variant is not present in our in-house exome database. The variant was not previously reported to ClinVar, Human Genome Mutation Database (HGMD) and/or OMIM databases, in any affected individuals. In-silico pathogenicity prediction programs like SIFT, Polyphen-2, MutationTaster2, CADD etc. predicted this variant to be likely deleterious, however these predictions were not confirmed by any published functional studies.

NM_001267550.2(TTN):c.99412G>C (p.Gly33138Arg)

Genes: TTN-AS1 (TTN antisense RNA 1; plus strand), TTN (titin; minus strand). Cytogenetic location: 2q31.2.
Variant type: single nucleotide variant.
Coding change: c.99412G>C on transcript NM_001267550.2 (MANE Select); coding-DNA position 99412, G replaced by C.
Protein change: p.Gly33138Arg; replaces glycine 33138 with arginine.
Molecular consequence: missense variant.
Genome position (GRCh38, 1-based): chr2:178,537,795, C>G on the plus strand (G>C on the coding strand, the complement: TTN is on the minus strand). VCF-style: chr2-178537795-C-G. GRCh37 (hg19) VCF-style: chr2-179402522-C-G.
Other names: c.91708G>C, p.Gly30570Arg (NM_133378.4); c.72592G>C, p.Gly24198Arg (NM_133432.3); c.72793G>C, p.Gly24265Arg (NM_133437.4); c.94489G>C, p.Gly31497Arg (NM_001256850.1); c.72217G>C, p.Gly24073Arg (NM_003319.4); short protein forms G24073R, G24198R, G24265R, G30570R, G31497R, G33138R.
Identifiers: ClinVar variation 1802212 (VCV001802212.3), dbSNP rs2468684788, ClinGen allele CA349428537.